The following is an entry in ClinVar:

ClinVar aggregate classification (germline): Conflicting classifications of pathogenicity. Review status: criteria provided, conflicting classifications (1 of 4 stars). 4 submissions from 4 submitters: Uncertain significance (3); Likely benign (1). Last evaluated 2026-02-10.

Conditions:
RINT1-related disorder. Also called: RINT1-related condition.
Infantile liver failure syndrome 3. Identifiers: MedGen C5231437, MONDO:0032844, OMIM 618641.

Allele frequency attached by ClinVar (database versions not stated): ExAC 0.00026; gnomAD exomes 0.00037 and 0.00086; ESP Exome Variant Server 0.00054; gnomAD 0.00060 and 0.00064; TOPMed 0.00062; 1000 Genomes Project 0.00100; 1000 Genomes Project 30x 0.00109.
gnomAD v4.1: 1,342 of 1,614,096 alleles (0.083%); highest among the groups gnomAD compares: Non-Finnish European, 0.1%; 1 homozygote.

Submissions (4):

PreventionGenetics, part of Exact Sciences
Classification: Uncertain significance for RINT1-related condition. Last evaluated: 2026-02-10. Review status: criteria provided, single submitter. Criteria: ACMG Guidelines, 2015. Collection method: clinical testing. Allele origin: germline.
Comment: The RINT1 c.388G>A variant is predicted to result in the amino acid substitution p.Ala130Thr. This variant has been reported in the literature in an individual with breast and/or ovarian cancer (Li et al. 2016. PubMed ID: 27544226). This variant is reported in 0.061% of alleles in individuals of European (Non-Finnish) descent in gnomAD. This variant has conflicting interpretations in ClinVar ranging from uncertain to likely benign. At this time, the clinical significance of this variant is uncertain due to the absence of conclusive functional and genetic evidence.

Labcorp Genetics (formerly Invitae), Labcorp
Classification: Uncertain significance. Last evaluated: 2025-09-19. Review status: criteria provided, single submitter. Criteria: Invitae Variant Classification Sherloc (09022015). Collection method: clinical testing. Allele origin: germline.
Comment: This sequence change replaces alanine, which is neutral and non-polar, with threonine, which is neutral and polar, at codon 130 of the RINT1 protein (p.Ala130Thr). This variant is present in population databases (rs138345617, gnomAD 0.06%). This missense change has been observed in individual(s) with breast and/or ovarian cancer (PMID: 27544226). ClinVar contains an entry for this variant (Variation ID: 241407). An algorithm developed to predict the effect of missense changes on protein structure and function (PolyPhen-2) suggests that this variant is likely to be tolerated. In summary, the available evidence is currently insufficient to determine the role of this variant in disease. Therefore, it has been classified as a Variant of Uncertain Significance.

Baylor Genetics
Classification: Uncertain significance for Infantile liver failure syndrome 3. Last evaluated: 2023-07-12. Review status: criteria provided, single submitter. Criteria: ACMG Guidelines, 2015. Collection method: clinical testing. Allele origin: unknown.

Ambry Genetics
Classification: Likely benign. Last evaluated: 2020-09-15. Review status: criteria provided, single submitter. Criteria: Ambry Variant Classification Scheme 2023. Collection method: clinical testing. Allele origin: germline.

Literature cited by the submitters: PubMed 27544226 (cited by Labcorp Genetics (formerly Invitae), Labcorp).

NM_021930.6(RINT1):c.388G>A (p.Ala130Thr)

Gene: RINT1 (RAD50 interactor 1; plus strand). Cytogenetic location: 7q22.3.
Variant type: single nucleotide variant.
Coding change: c.388G>A on transcript NM_021930.6 (MANE Select); coding-DNA position 388, G replaced by A.
Protein change: p.Ala130Thr; replaces alanine 130 with threonine.
Molecular consequence: missense variant. On other transcripts: 5 prime UTR variant (3), non-coding transcript variant (1).
Genome position (GRCh38, 1-based): chr7:105,542,522, G>A. VCF-style: chr7-105542522-G-A. GRCh37 (hg19) VCF-style: chr7-105182969-G-A.
Other names: c.154G>A, p.Ala52Thr (NM_001346599.2); c.-632G>A (NM_001346600.2); c.-535G>A (NM_001346601.2); c.-155G>A (NM_001346603.2); c.388G>A (NM_021930.5); short protein forms A130T, A52T.
Identifiers: ClinVar variation 241407 (VCV000241407.15), dbSNP rs138345617, ClinGen allele CA4426413.
Genomic context (GRCh38, chr7:105,542,522, plus strand): 5'-GCAGAAGAATCAAAGCAATTTCTTAATCAGTTTCTGGAGCAGGAAACTCATCTCTTCAGC[G>A]CCATTAACAGCCATTTGCTGACTGCGCAACCTTGGATGGACGATCTTGGAACCATGATTA-3'
Protein context (NP_068749.3, residues 120-140): FLEQETHLFS[Ala130Thr]INSHLLTAQP